The following is an entry in ClinVar:

NM_000218.3(KCNQ1):c.1936G>A (p.Gly646Ser)

Genes: KCNQ1 (potassium voltage-gated channel subfamily Q member 1; plus strand), KCNQ1-AS1 (KCNQ1 antisense RNA 1; minus strand). Cytogenetic location: 11p15.4.
Variant type: single nucleotide variant.
Coding change: c.1936G>A on transcript NM_000218.3 (MANE Select); coding-DNA position 1936, G replaced by A.
Protein change: p.Gly646Ser; replaces glycine 646 with serine.
Molecular consequence: missense variant.
Genome position (GRCh38, 1-based): chr11:2,847,908, G>A. VCF-style: chr11-2847908-G-A. GRCh37 (hg19) VCF-style: chr11-2869138-G-A.
Other names: c.1840G>A, p.Gly614Ser (NM_001406836.1); c.1666G>A, p.Gly556Ser (NM_001406837.1); c.1396G>A, p.Gly466Ser (NM_001406838.1); c.448G>A, p.Gly150Ser (NM_001406839.1); c.1555G>A, p.Gly519Ser (NM_181798.2); short protein forms G646S, G519S, G150S, G556S, G614S, G466S.
Identifiers: ClinVar variation 927553 (VCV000927553.21), dbSNP rs763478809, ClinGen allele CA033794.
Genomic context (GRCh38, chr11:2,847,908, plus strand): 5'-GGCAGCGGCGGCCCCCCCAGAGAGGGCGGGGCCCACATCACCCAGCCCTGCGGCAGTGGC[G>A]GCTCCGTCGACCCTGAGCTCTTCCTGCCCAGCAACACCCTGCCCACCTACGAGCAGCTGA-3'
Protein context (NP_000209.2, residues 636-656): AHITQPCGSG[Gly646Ser]SVDPELFLPS

ClinVar aggregate classification (germline): Conflicting classifications of pathogenicity. Review status: criteria provided, conflicting classifications (1 of 4 stars). 5 submissions from 5 submitters: Uncertain significance (4); Likely benign (1). Last evaluated 2024-10-13.

Conditions:
Cardiovascular phenotype. Identifiers: MedGen CN230736.
Long QT syndrome (LQTS). Identifiers: MedGen C0023976, MeSH D008133, MONDO:0002442. Disease mechanism: loss of function. Inheritance: Various modes of inheritance.
Cardiac arrhythmia. Also called: Cardiac rhythm disease; Arrhythmia. Identifiers: MedGen C0003811, MONDO:0007263, HP:0011675.
Long QT syndrome 1 (LQT1). Identifiers: Orphanet 101016, Orphanet 768, MedGen C4551647, MONDO:0100316, OMIM 192500, MONDO:0008646.
Jervell and Lange-Nielsen syndrome 1 (JLNS1). Also called: PROLONGED QT INTERVAL IN EKG AND SUDDEN DEATH; SURDO-CARDIAC SYNDROME; CARDIOAUDITORY SYNDROME OF JERVELL AND LANGE-NIELSEN; DEAFNESS, CONGENITAL, AND FUNCTIONAL HEART DISEASE. Identifiers: Orphanet 768, Orphanet 90647, MedGen C4551509, MONDO:0024540, OMIM 220400.
Atrial fibrillation, familial, 3 (ATFB3). Identifiers: MedGen C1837014, MONDO:0011857, OMIM 607554.
Beckwith-Wiedemann syndrome (BWS). Also called: Exomphalos macroglossia gigantism syndrome; EMG SYNDROME. Identifiers: Orphanet 116, MedGen C0004903, MONDO:0007534, OMIM 130650.
Short QT syndrome type 2. Identifiers: Orphanet 51083, MedGen C1865019, MONDO:0012313, OMIM 609621.

Allele frequency attached by ClinVar (database versions not stated): ExAC 0.00003; gnomAD 0.00003; gnomAD exomes 0.00003; TOPMed 0.00005.
gnomAD v4.1: 22 of 1,577,500 alleles (0.0014%); highest among the groups gnomAD compares: South Asian, 0.0023%; no homozygotes.

Submissions (5):

Labcorp Genetics (formerly Invitae), Labcorp
Classification: Likely benign for Long QT syndrome. Last evaluated: 2024-10-13. Review status: criteria provided, single submitter. Criteria: Invitae Variant Classification Sherloc (09022015). Collection method: clinical testing. Allele origin: germline.

All of Us Research Program, National Institutes of Health
Classification: Uncertain significance for Long QT syndrome. Last evaluated: 2024-07-20. Review status: criteria provided, single submitter. Criteria: ACMG Guidelines, 2015. Collection method: clinical testing. Allele origin: germline. Inheritance: Autosomal dominant inheritance. Observed: 3 variant alleles, 3 heterozygotes.
Comment: This missense variant replaces glycine with serine at codon 646 of the KCNQ1 protein. Computational prediction suggests that this variant may not impact protein structure and function (internally defined REVEL score threshold <= 0.5, PMID: 27666373). To our knowledge, functional studies have not been reported for this variant. This variant has not been reported in individuals affected with cardiovascular disorders in the literature. This variant has been identified in 7/219524 chromosomes in the general population by the Genome Aggregation Database (gnomAD). The available evidence is insufficient to determine the role of this variant in disease conclusively. Therefore, this variant is classified as a Variant of Uncertain Significance.

This study involves interpretation of variants in research participants for the purpose of population health screening. Participant phenotype was not available at the time of variant classification. Additional details can be found in publication PMID: 35346344, PMCID: PMC8962531

Color Diagnostics, LLC DBA Color Health
Classification: Uncertain significance for Cardiac arrhythmia. Last evaluated: 2024-05-06. Review status: criteria provided, single submitter. Criteria: ACMG Guidelines, 2015. Collection method: clinical testing. Allele origin: germline.
Comment: This missense variant replaces glycine with serine at codon 646 of the KCNQ1 protein. Computational prediction suggests that this variant may not impact protein structure and function. To our knowledge, functional studies have not been reported for this variant. This variant has not been reported in individuals affected with KCNQ1-related disorders in the literature. This variant has been identified in 7/219524 chromosomes in the general population by the Genome Aggregation Database (gnomAD). The available evidence is insufficient to determine the role of this variant in disease conclusively. Therefore, this variant is classified as a Variant of Uncertain Significance.

Ambry Genetics
Classification: Uncertain significance for Cardiovascular phenotype. Last evaluated: 2022-10-19. Review status: criteria provided, single submitter. Criteria: Ambry Variant Classification Scheme 2023. Collection method: clinical testing. Allele origin: germline.
Comment: The p.G646S variant (also known as c.1936G>A), located in coding exon 16 of the KCNQ1 gene, results from a G to A substitution at nucleotide position 1936. The glycine at codon 646 is replaced by serine, an amino acid with similar properties. This amino acid position is not well conserved in available vertebrate species. In addition, the in silico prediction for this alteration is inconclusive. Since supporting evidence is limited at this time, the clinical significance of this alteration remains unclear.

Fulgent Genetics
Classification: Uncertain significance for Beckwith-Wiedemann syndrome; Long QT syndrome 1; Jervell and Lange-Nielsen syndrome 1; Atrial fibrillation, familial, 3; Short QT syndrome type 2. Last evaluated: 2021-10-31. Review status: criteria provided, single submitter. Criteria: ACMG Guidelines, 2015. Collection method: clinical testing. Allele origin: unknown.